The following is an entry in ClinVar:

NM_000925.4(PDHB):c.650dup (p.Ser218fs)

Gene: PDHB (pyruvate dehydrogenase E1 subunit beta; minus strand). Cytogenetic location: 3p14.3.
Variant type: Duplication.
Coding change: c.650dup on transcript NM_000925.4 (MANE Select); coding-DNA position 650, one base duplicated (A; older notation c.650dupA).
Protein change: p.Ser218fs; shifts the reading frame from serine 218.
Molecular consequence: frameshift variant. On other transcripts: non-coding transcript variant (1).
Genome position (GRCh38, 1-based): chr3:58,430,178, T duplicated on the plus strand (A on the coding strand, the reverse complement: PDHB is on the minus strand). VCF-style (leftmost placement, unchanged base first): chr3-58430177-C-CT. GRCh37 (hg19) VCF-style: chr3-58415904-C-CT.
Other names: c.596dup, p.Ser200fs (NM_001173468.2, NM_001315536.2); short protein forms S200fs, S218fs.
Identifiers: ClinVar variation 4721142 (VCV004721142.1).

ClinVar aggregate classification (germline): Pathogenic (1 of 4 stars; one submission).

Conditions:
Pyruvate dehydrogenase E1-beta deficiency (PDHBD). Identifiers: Orphanet 255138, Orphanet 765, MedGen C3279841, MONDO:0013580, OMIM 614111.

Submission:

Labcorp Genetics (formerly Invitae), Labcorp
Classification: Pathogenic for Pyruvate dehydrogenase E1-beta deficiency. Last evaluated: 2025-08-26. Review status: criteria provided, single submitter. Criteria: Invitae Variant Classification Sherloc (09022015). Collection method: clinical testing. Allele origin: germline.
Comment: This sequence change creates a premature translational stop signal (p.Ser218Valfs*41) in the PDHB gene. It is expected to result in an absent or disrupted protein product. Loss-of-function variants in PDHB are known to be pathogenic (PMID: 21914562, 25356417). This variant is not present in population databases (gnomAD no frequency). This variant has not been reported in the literature in individuals affected with PDHB-related conditions. For these reasons, this variant has been classified as Pathogenic.

Literature cited by the submitters: PubMed 21914562; PubMed 25356417.